The following is an entry in ClinVar:

NM_024312.5(GNPTAB):c.3693+3_3693+6del

Gene: GNPTAB (N-acetylglucosamine-1-phosphate transferase subunits alpha and beta; minus strand). Cytogenetic location: 12q23.2.
Variant type: Deletion.
Coding change: c.3693+3_3693+6del on transcript NM_024312.5 (MANE Select); bases 3 to 6 of the intron after coding-DNA position 3693, 4 bases deleted (AAGT; older notation c.3693+3_3693+6delAAGT).
Molecular consequence: splice donor variant.
Genome position (GRCh38, 1-based): chr12:101,749,095-101,749,098, ACTT deleted on the plus strand (AAGT on the coding strand, the reverse complement: GNPTAB is on the minus strand); deleting any 4 consecutive bases within chr12:101,749,095-101,749,100 gives the same sequence; the c. name uses the placement nearest the transcript's 3' end. VCF-style (leftmost placement, unchanged base first): chr12-101749094-AACTT-A. GRCh37 (hg19) VCF-style: chr12-102142872-AACTT-A.
Identifiers: ClinVar variation 948703 (VCV000948703.7), dbSNP rs758540278, ClinGen allele CA6746083.

ClinVar aggregate classification (germline): Uncertain significance (1 of 4 stars; one submission).

Conditions:
Mucolipidosis type II. Also called: Mucolipidosis 2; ML 2; Inclusion cell disease; Leroy Disease; N-acetylglucosamine 1phosphotransferase deficiency; ML disorder type 2. Identifiers: Orphanet 576, MedGen C2673377, MONDO:0009650, OMIM 252500.
Pseudo-Hurler polydystrophy. Also called: ML IIIA; Mucolipidosis III Alpha/Beta; MUCOLIPIDOSIS IIIA; ML III; ML III ALPHA/BETA; Type III Mucolipidosis. Identifiers: Orphanet 423461, Orphanet 577, MedGen C0033788, MONDO:0018931, OMIM 252600.

Submission:

Labcorp Genetics (formerly Invitae), Labcorp
Classification: Uncertain significance for Pseudo-Hurler polydystrophy; Mucolipidosis type II. Last evaluated: 2021-08-25. Review status: criteria provided, single submitter. Criteria: Invitae Variant Classification Sherloc (09022015). Collection method: clinical testing. Allele origin: germline.
Comment: This sequence change falls in intron 20 of the GNPTAB gene. It does not directly change the encoded amino acid sequence of the GNPTAB protein. It affects a nucleotide within the consensus splice site of the intron. This variant is present in population databases (rs758540278, ExAC 0.002%). This variant has been observed in individual(s) with clinical features of mucolipodosis (Invitae). Variants that disrupt the consensus splice site are a relatively common cause of aberrant splicing (PMID: 17576681, 9536098). Algorithms developed to predict the effect of sequence changes on RNA splicing suggest that this variant may disrupt the consensus splice site. In summary, the available evidence is currently insufficient to determine the role of this variant in disease. Therefore, it has been classified as a Variant of Uncertain Significance.

Literature cited by the submitters: PubMed 17576681; PubMed 9536098.